The following is an entry in ClinVar:

ClinVar aggregate classification (germline): Conflicting classifications of pathogenicity. Review status: criteria provided, conflicting classifications (1 of 4 stars). 2 submissions from 2 submitters: Uncertain significance (1); Likely benign (1). Last evaluated 2024-01-17.

Conditions:
Cardiovascular phenotype. Identifiers: MedGen CN230736.
Alstrom syndrome (ALMS). Identifiers: Orphanet 64, MedGen C0268425, MONDO:0008763, OMIM 203800.

Allele frequency attached by ClinVar (database versions not stated): gnomAD exomes 0.00001 and 0.00004; gnomAD 0.00013 and 0.00014; TOPMed 0.00013.
gnomAD v4.1: 30 of 1,613,936 alleles (0.0019%); highest among the groups gnomAD compares: Admixed American, 0.043%; no homozygotes.

Submissions (2):

Ambry Genetics
Classification: Likely benign for Cardiovascular phenotype. Last evaluated: 2024-01-17. Review status: criteria provided, single submitter. Criteria: Ambry Variant Classification Scheme 2023. Collection method: clinical testing. Allele origin: germline.

Labcorp Genetics (formerly Invitae), Labcorp
Classification: Uncertain significance for Alstrom syndrome. Last evaluated: 2021-10-15. Review status: criteria provided, single submitter. Criteria: Invitae Variant Classification Sherloc (09022015). Collection method: clinical testing. Allele origin: germline.
Comment: This sequence change replaces serine with leucine at codon 1707 of the ALMS1 protein (p.Ser1707Leu). The serine residue is weakly conserved and there is a large physicochemical difference between serine and leucine. This variant is not present in population databases (ExAC no frequency). This variant has not been reported in the literature in individuals affected with ALMS1-related conditions. Experimental studies and prediction algorithms are not available or were not evaluated, and the functional significance of this variant is currently unknown. In summary, the available evidence is currently insufficient to determine the role of this variant in disease. Therefore, it has been classified as a Variant of Uncertain Significance.

NM_001378454.1(ALMS1):c.5117C>T (p.Ser1706Leu)

Gene: ALMS1 (ALMS1 centrosome and basal body associated protein; plus strand). Cytogenetic location: 2p13.1.
Variant type: single nucleotide variant.
Coding change: c.5117C>T on transcript NM_001378454.1 (MANE Select); coding-DNA position 5117, C replaced by T.
Protein change: p.Ser1706Leu; replaces serine 1706 with leucine.
Molecular consequence: missense variant.
Genome position (GRCh38, 1-based): chr2:73,451,644, C>T. VCF-style: chr2-73451644-C-T. GRCh37 (hg19) VCF-style: chr2-73678771-C-T.
Other names: c.5120C>T, p.Ser1707Leu (NM_015120.4); short protein forms S1706L, S1707L.
Identifiers: ClinVar variation 1365506 (VCV001365506.4), dbSNP rs1187000436, ClinGen allele CA347280017.